The following is an entry in ClinVar:

NM_000277.3(PAH):c.1315+2T>C

Gene: PAH (phenylalanine hydroxylase; minus strand). Cytogenetic location: 12q23.2.
Variant type: single nucleotide variant.
Coding change: c.1315+2T>C on transcript NM_000277.3 (MANE Select); the canonical splice donor site of the intron after coding-DNA position 1315, T replaced by C.
Molecular consequence: splice donor variant.
Genome position (GRCh38, 1-based): chr12:102,840,398, A>G on the plus strand (T>C on the coding strand, the complement: PAH is on the minus strand). VCF-style: chr12-102840398-A-G. GRCh37 (hg19) VCF-style: chr12-103234176-A-G.
Other names: NM_000277.2(PAH):c.1315+2T>C; c.1315+2T>C (NM_001354304.2).
Identifiers: ClinVar variation 102588 (VCV000102588.13), dbSNP rs1799970, ClinGen allele CA229429.

ClinVar aggregate classification (germline): Likely pathogenic. Review status: reviewed by expert panel (3 of 4 stars). 7 submissions from 7 submitters: Likely pathogenic (1). 6 of the submissions do not count toward it. Last evaluated 2018-12-09.

Conditions:
Phenylketonuria (PKU). Also called: Phenylketonuria (PKU); FOLLING DISEASE; OLIGOPHRENIA PHENYLPYRUVICA; Phenylketonurias. Identifiers: Orphanet 716, MedGen C0031485, MONDO:0009861, OMIM 261600. Disease mechanism: loss of function.

gnomAD v4.1: 1 of 1,589,234 alleles (0.000063%); highest among the groups gnomAD compares: Non-Finnish European, 0.000086%; no homozygotes.

Submissions (7):

ClinGen PAH Variant Curation Expert Panel
Classification: Likely pathogenic for Phenylketonuria. Last evaluated: 2018-12-09. Review status: reviewed by expert panel. Criteria: ClinGen PAH ACMG Specifications v1. Collection method: curation. Allele origin: germline. Inheritance: Autosomal recessive inheritance.
Comment: The c.1315+2T>C variant is at the 3' canonical splice site in the penultimate exon of PAH. It is absent form population databases and has been identified in trans with pathogenic variants in three independent patients (F39del, Y414C, and R261X; PMID: 9452062; 9521426). A defect of BH4 metabolism was excluded as a cause of elevated phenylalanine in all patients. In summary, this variant meets criteria to be classified as likely pathogenic for PAH. PAH-specific ACMG/AMP criteria applied: PP4_Moderate, PM2, PM3_strong.

Labcorp Genetics (formerly Invitae), Labcorp
Classification: Pathogenic for Phenylketonuria. Last evaluated: 2024-02-22. Review status: criteria provided, single submitter. Criteria: Invitae Variant Classification Sherloc (09022015). Collection method: clinical testing. Allele origin: germline. Not counted in ClinVar's aggregate classification.
Comment: This sequence change affects a donor splice site in intron 12 of the PAH gene. While this variant is not anticipated to result in nonsense mediated decay, it likely alters RNA splicing and results in a disrupted protein product. This variant is not present in population databases (gnomAD no frequency). Disruption of this splice site has been observed in individuals with phenylketonuria (PMID: 9452062, 9521426, 24941924, 26210745, 32668217). This variant is also known as IVS12+2T>C. ClinVar contains an entry for this variant (Variation ID: 102588). Variants that disrupt the consensus splice site are a relatively common cause of aberrant splicing (PMID: 17576681, 9536098). Algorithms developed to predict the effect of sequence changes on RNA splicing suggest that this variant may disrupt the consensus splice site. For these reasons, this variant has been classified as Pathogenic.

Baylor Genetics
Classification: Pathogenic for Phenylketonuria. Last evaluated: 2023-07-11. Review status: criteria provided, single submitter. Criteria: ACMG Guidelines, 2015. Collection method: clinical testing. Allele origin: unknown. Not counted in ClinVar's aggregate classification.

Fulgent Genetics
Classification: Pathogenic for Phenylketonuria. Last evaluated: 2022-03-18. Review status: criteria provided, single submitter. Criteria: ACMG Guidelines, 2015. Collection method: clinical testing. Allele origin: unknown. Not counted in ClinVar's aggregate classification.

Myriad Genetics, Inc.
Classification: Pathogenic for Phenylketonuria. Last evaluated: 2021-11-11. Review status: criteria provided, single submitter. Criteria: Myriad Women's Health Autosomal Recessive and X-Linked Classification Criteria (2021). Collection method: clinical testing. Allele origin: unknown. Not counted in ClinVar's aggregate classification.
Comment: NM_000277.1(PAH):c.1315+2T>C is a canonical splice variant classified as pathogenic in the context of phenylalanine hydroxylase deficiency. Please note that the c.1315+2T>C variant can be associated with classic or variant PKU. c.1315+2T>C has been observed in cases with relevant disease (PMID: 9521426, 9452062, 26210745, 31640267, 33564846, 32668217). Functional assessments of this variant are not available in the literature. c.1315+2T>C has not been observed in population frequency databases. In summary, NM_000277.1(PAH):c.1315+2T>C is a canonical splice variant that has been observed more frequently in cases with the relevant disease than in healthy populations. Please note: this variant was assessed in the context of healthy population screening.

Women's Health and Genetics/Laboratory Corporation of America, LabCorp
Classification: Pathogenic for Phenylketonuria. Last evaluated: 2019-01-25. Review status: criteria provided, single submitter. Criteria: LabCorp Variant Classification Summary - May 2015. Collection method: clinical testing. Allele origin: germline. Not counted in ClinVar's aggregate classification.
Comment: Variant summary: PAH c.1315+2T>C is located in a canonical splice-site and is predicted to affect mRNA splicing resulting in a significantly altered protein due to either exon skipping, shortening, or inclusion of intronic material. Several computational tools predict a significant impact on normal splicing: Four predict the variant abolishes a 5' splicing donor site. One predict the variant creates/strengthens an alternate cryptic 5' donor site in intron 12. However, these predictions have yet to be confirmed by functional studies. The variant was absent in 246184 control chromosomes. c.1315+2T>C has been reported in the literature in individuals affected with Phenylalanine Hydroxylase Deficiency (Phenylketonuria; Michiels_1998, Mirisola_2001, Trunzo_2015, Vela-Amieva_2015). These data indicate that the variant is likely to be associated with disease. No clinical diagnostic laboratories have submitted clinical-significance assessments for this variant to ClinVar after 2014. Based on the evidence outlined above, the variant was classified as pathogenic.

DeBelle Laboratory for Biochemical Genetics, MUHC/MCH RESEARCH INSTITUTE
No classification provided. Review status: no classification provided. Collection method: not provided. Allele origin: not provided. Not counted in ClinVar's aggregate classification.

Literature cited by the submitters: PubMed 9521426 (cited by 3 submitters); PubMed 9452062 (cited by 4 submitters); PubMed 24941924 (cited by Labcorp Genetics (formerly Invitae), Labcorp and Women's Health and Genetics/Laboratory Corporation of America, LabCorp); PubMed 26210745 (cited by 3 submitters); PubMed 32668217 (cited by Labcorp Genetics (formerly Invitae), Labcorp and Myriad Genetics, Inc.); PubMed 17576681 (cited by Labcorp Genetics (formerly Invitae), Labcorp); PubMed 9536098 (cited by Labcorp Genetics (formerly Invitae), Labcorp); PubMed 31640267 (cited by Myriad Genetics, Inc.); PubMed 33564846 (cited by Myriad Genetics, Inc.); PubMed 11708866 (cited by Women's Health and Genetics/Laboratory Corporation of America, LabCorp).